The following is an entry in ClinVar:

NM_014712.3(SETD1A):c.5032G>A (p.Glu1678Lys)

Gene: SETD1A (SET domain containing 1A, histone lysine methyltransferase; plus strand). Cytogenetic location: 16p11.2.
Variant type: single nucleotide variant.
Coding change: c.5032G>A on transcript NM_014712.3 (MANE Select); coding-DNA position 5032, G replaced by A.
Protein change: p.Glu1678Lys; replaces glutamic acid 1678 with lysine.
Molecular consequence: missense variant.
Genome position (GRCh38, 1-based): chr16:30,983,931, G>A. VCF-style: chr16-30983931-G-A. GRCh37 (hg19) VCF-style: chr16-30995252-G-A.
Other names: short protein forms E1678K.
Identifiers: ClinVar variation 3900528 (VCV003900528.2).

ClinVar aggregate classification (germline): Uncertain significance (1 of 4 stars; one submission).

gnomAD v4.1: 1 of 1,613,990 alleles (0.000062%); highest among the groups gnomAD compares: Non-Finnish European, 0.000085%; no homozygotes.

Submission:

GeneDx
Classification: Uncertain significance. Last evaluated: 2026-04-30. Review status: criteria provided, single submitter. Criteria: GeneDx Variant Classification Process June 2021. Collection method: clinical testing. Allele origin: germline.
Comment: Not observed at significant frequency in large population cohorts (gnomAD); In silico analysis supports that this missense variant has a deleterious effect on protein structure/function; Has not been previously published as pathogenic or benign to our knowledge